The following is an entry in ClinVar:

NM_001376256.1(CRYM):c.852T>A (p.Cys284Ter)

Gene: CRYM (crystallin mu; minus strand). Cytogenetic location: 16p12.2.
Variant type: single nucleotide variant.
Coding change: c.852T>A on transcript NM_001376256.1 (MANE Select); coding-DNA position 852, T replaced by A.
Protein change: p.Cys284Ter; replaces cysteine 284 with a stop codon.
Molecular consequence: nonsense.
Genome position (GRCh38, 1-based): chr16:21,261,282, A>T on the plus strand (T>A on the coding strand, the complement: CRYM is on the minus strand). VCF-style: chr16-21261282-A-T. GRCh37 (hg19) VCF-style: chr16-21272603-A-T.
Other names: c.852T>A, p.Cys284Ter (NM_001888.5); short protein forms C284*.
Identifiers: ClinVar variation 4715773 (VCV004715773.1).

ClinVar aggregate classification (germline): Uncertain significance (1 of 4 stars; one submission).

Submission:

Labcorp Genetics (formerly Invitae), Labcorp
Classification: Uncertain significance. Last evaluated: 2025-03-29. Review status: criteria provided, single submitter. Criteria: Invitae Variant Classification Sherloc (09022015). Collection method: clinical testing. Allele origin: germline.
Comment: This sequence change creates a premature translational stop signal (p.Cys284*) in the CRYM gene. While this is not anticipated to result in nonsense mediated decay, it is expected to disrupt the last 31 amino acid(s) of the CRYM protein. This variant is not present in population databases (gnomAD no frequency). This variant has not been reported in the literature in individuals affected with CRYM-related conditions. Experimental studies and prediction algorithms are not available or were not evaluated, and the functional significance of this variant is currently unknown. In summary, the available evidence is currently insufficient to determine the role of this variant in disease. Therefore, it has been classified as a Variant of Uncertain Significance.